The following is an entry in ClinVar:

NM_006521.6(TFE3):c.1034G>A (p.Arg345Gln)

Gene: TFE3 (transcription factor binding to IGHM enhancer 3; minus strand). Cytogenetic location: Xp11.23.
Variant type: single nucleotide variant.
Coding change: c.1034G>A on transcript NM_006521.6 (MANE Select); coding-DNA position 1034, G replaced by A.
Protein change: p.Arg345Gln; replaces arginine 345 with glutamine.
Molecular consequence: missense variant.
Genome position (GRCh38, 1-based): chrX:49,033,752, C>T on the plus strand (G>A on the coding strand, the complement: TFE3 is on the minus strand). VCF-style: chrX-49033752-C-T. GRCh37 (hg19) VCF-style: chrX-48891267-C-T.
Other names: c.719G>A, p.Arg240Gln (NM_001282142.2); short protein forms R240Q, R345Q.
Identifiers: ClinVar variation 3600881 (VCV003600881.1).

ClinVar aggregate classification (germline): Uncertain significance (1 of 4 stars; one submission).

Submission:

GeneDx
Classification: Uncertain significance. Last evaluated: 2024-07-25. Review status: criteria provided, single submitter. Criteria: GeneDx Variant Classification Process June 2021. Collection method: clinical testing. Allele origin: germline. Affected: yes.
Comment: Not observed at significant frequency in large population cohorts (gnomAD); In silico analysis supports that this missense variant has a deleterious effect on protein structure/function; Has not been previously published as pathogenic or benign to our knowledge